The following is an entry in ClinVar:

ClinVar aggregate classification (germline): Uncertain significance. Review status: criteria provided, multiple submitters, no conflicts (2 of 4 stars). 2 submissions from 2 submitters: Uncertain significance (2). Last evaluated 2025-04-03.

Conditions:
Inborn genetic diseases. Identifiers: MedGen C0950123, MeSH D030342.

gnomAD v4.1: 10 of 1,613,354 alleles (0.00062%); highest among the groups gnomAD compares: Non-Finnish European, 0.00085%; no homozygotes.

Submissions (2):

Ambry Genetics
Classification: Uncertain significance for Inborn genetic diseases. Last evaluated: 2025-04-03. Review status: criteria provided, single submitter. Criteria: Ambry Variant Classification Scheme 2023. Collection method: clinical testing. Allele origin: germline.

Labcorp Genetics (formerly Invitae), Labcorp
Classification: Uncertain significance. Last evaluated: 2022-10-11. Review status: criteria provided, single submitter. Criteria: Invitae Variant Classification Sherloc (09022015). Collection method: clinical testing. Allele origin: germline.
Comment: This sequence change replaces arginine, which is basic and polar, with leucine, which is neutral and non-polar, at codon 39 of the TSFM protein (p.Arg39Leu). The frequency data for this variant in the population databases is considered unreliable, as metrics indicate poor data quality at this position in the gnomAD database. This variant has not been reported in the literature in individuals affected with TSFM-related conditions. Algorithms developed to predict the effect of missense changes on protein structure and function (SIFT, PolyPhen-2, Align-GVGD) all suggest that this variant is likely to be tolerated. In summary, the available evidence is currently insufficient to determine the role of this variant in disease. Therefore, it has been classified as a Variant of Uncertain Significance.

NM_005726.6(TSFM):c.116G>T (p.Arg39Leu)

Gene: TSFM (Ts translation elongation factor, mitochondrial; plus strand). Cytogenetic location: 12q14.1.
Variant type: single nucleotide variant.
Coding change: c.116G>T on transcript NM_005726.6 (MANE Select); coding-DNA position 116, G replaced by T.
Protein change: p.Arg39Leu; replaces arginine 39 with leucine.
Molecular consequence: missense variant.
Genome position (GRCh38, 1-based): chr12:57,783,168, G>T. VCF-style: chr12-57783168-G-T. GRCh37 (hg19) VCF-style: chr12-58176951-G-T.
Other names: c.116G>T, p.Arg39Leu (NM_001172695.2, NM_001172696.2, NM_001172697.2); c.116G>T (NM_001172696.1); short protein forms R39L.
Identifiers: ClinVar variation 2176742 (VCV002176742.2), dbSNP rs1388095732, ClinGen allele CA385523508.